The following is an entry in ClinVar:

NM_017654.4(SAMD9):c.4568T>A (p.Val1523Asp)

Gene: SAMD9 (sterile alpha motif domain containing 9; minus strand). Cytogenetic location: 7q21.2.
Variant type: single nucleotide variant.
Coding change: c.4568T>A on transcript NM_017654.4 (MANE Select); coding-DNA position 4568, T replaced by A.
Protein change: p.Val1523Asp; replaces valine 1523 with aspartic acid.
Molecular consequence: missense variant.
Genome position (GRCh38, 1-based): chr7:93,101,530, A>T on the plus strand (T>A on the coding strand, the complement: SAMD9 is on the minus strand). VCF-style: chr7-93101530-A-T. GRCh37 (hg19) VCF-style: chr7-92730843-A-T.
Other names: c.4568T>A, p.Val1523Asp (NM_001193307.2); short protein forms V1523D.
Identifiers: ClinVar variation 3437028 (VCV003437028.3).

ClinVar aggregate classification (germline): Uncertain significance. Review status: criteria provided, multiple submitters, no conflicts (2 of 4 stars). 2 submissions from 2 submitters: Uncertain significance (2). Last evaluated 2024-11-23.

Conditions:
Inborn genetic diseases. Identifiers: MedGen C0950123, MeSH D030342.

Submissions (2):

Ambry Genetics
Classification: Uncertain significance for Inborn genetic diseases. Last evaluated: 2024-11-23. Review status: criteria provided, single submitter. Criteria: Ambry Variant Classification Scheme 2023. Collection method: clinical testing. Allele origin: germline.
Comment: The p.V1523D variant (also known as c.4568T>A), located in coding exon 1 of the SAMD9 gene, results from a T to A substitution at nucleotide position 4568. The valine at codon 1523 is replaced by aspartic acid, an amino acid with highly dissimilar properties. This amino acid position is conserved. In addition, this alteration is predicted to be tolerated by in silico analysis. Based on the available evidence, the clinical significance of this variant remains unclear.

Labcorp Genetics (formerly Invitae), Labcorp
Classification: Uncertain significance. Last evaluated: 2024-04-13. Review status: criteria provided, single submitter. Criteria: Invitae Variant Classification Sherloc (09022015). Collection method: clinical testing. Allele origin: germline.
Comment: This sequence change replaces valine, which is neutral and non-polar, with aspartic acid, which is acidic and polar, at codon 1523 of the SAMD9 protein (p.Val1523Asp). This variant is not present in population databases (gnomAD no frequency). This variant has not been reported in the literature in individuals affected with SAMD9-related conditions. Advanced modeling of protein sequence and biophysical properties (such as structural, functional, and spatial information, amino acid conservation, physicochemical variation, residue mobility, and thermodynamic stability) has been performed at Invitae for this missense variant, however the output from this modeling did not meet the statistical confidence thresholds required to predict the impact of this variant on SAMD9 protein function. In summary, the available evidence is currently insufficient to determine the role of this variant in disease. Therefore, it has been classified as a Variant of Uncertain Significance.